The following is an entry in ClinVar:

NM_007286.6(SYNPO):c.2366_2367insCCCGCC (p.Pro800_Arg801insProPro)

Gene: SYNPO (synaptopodin; plus strand). Cytogenetic location: 5q33.1.
Variant type: Insertion.
Coding change: c.2366_2367insCCCGCC on transcript NM_007286.6 (MANE Select); coding-DNA positions 2366 to 2367, CCCGCC inserted.
Protein change: p.Pro800_Arg801insProPro.
Molecular consequence: inframe insertion.
Genome position: GRCh38 VCF-style: chr5-150656737-G-GCGCCCC. GRCh37 (hg19) VCF-style: chr5-150036299-G-GCGCCCC.
Identifiers: ClinVar variation 2713207 (VCV002713207.3), dbSNP rs1295407232, ClinGen allele CA563957166.

ClinVar aggregate classification (germline): Uncertain significance (1 of 4 stars; one submission).

Submission:

Labcorp Genetics (formerly Invitae), Labcorp
Classification: Uncertain significance. Last evaluated: 2025-06-12. Review status: criteria provided, single submitter. Criteria: Invitae Variant Classification Sherloc (09022015). Collection method: clinical testing. Allele origin: germline.
Comment: This variant, c.2366_2367insCCCGCC, results in the insertion of 2 amino acid(s) of the SYNPO protein (p.Pro799_Pro800dup), but otherwise preserves the integrity of the reading frame. This variant is present in population databases (no rsID available, gnomAD 0.1%), and has an allele count higher than expected for a pathogenic variant. This variant has not been reported in the literature in individuals affected with SYNPO-related conditions. ClinVar contains an entry for this variant (Variation ID: 2713207). In summary, the available evidence is currently insufficient to determine the role of this variant in disease. Therefore, it has been classified as a Variant of Uncertain Significance.